The following is an entry in ClinVar:

NM_001018113.3(FANCB):c.419C>T (p.Pro140Leu)

Gene: FANCB (FA complementation group B; minus strand). Cytogenetic location: Xp22.2.
Variant type: single nucleotide variant.
Coding change: c.419C>T on transcript NM_001018113.3 (MANE Select); coding-DNA position 419, C replaced by T.
Protein change: p.Pro140Leu; replaces proline 140 with leucine.
Molecular consequence: missense variant.
Genome position (GRCh38, 1-based): chrX:14,865,092, G>A on the plus strand (C>T on the coding strand, the complement: FANCB is on the minus strand). VCF-style: chrX-14865092-G-A. GRCh37 (hg19) VCF-style: chrX-14883214-G-A.
Other names: c.419C>T, p.Pro140Leu (NM_001324162.2, NM_001410764.1, NM_152633.4); short protein forms P140L.
Identifiers: ClinVar variation 2632592 (VCV002632592.5), dbSNP rs2519011957, ClinGen allele CA412444547.

ClinVar aggregate classification (germline): Uncertain significance. Review status: criteria provided, multiple submitters, no conflicts (2 of 4 stars). 3 submissions from 3 submitters: Uncertain significance (3). Last evaluated 2026-03-11.

Conditions:
Fanconi anemia (FA). Also called: Fanconi's anemia. Identifiers: Orphanet 84, MedGen C0015625, MeSH D005199, MONDO:0019391.
FANCB-related disorder. Also called: FANCB-related condition.

Submissions (3):

GeneDx
Classification: Uncertain significance. Last evaluated: 2026-03-11. Review status: criteria provided, single submitter. Criteria: GeneDx Variant Classification Process June 2021. Collection method: clinical testing. Allele origin: germline.
Comment: Not observed at significant frequency in large population cohorts (gnomAD); In silico analysis supports that this missense variant has a deleterious effect on protein structure/function; Has not been previously published as pathogenic or benign to our knowledge

PreventionGenetics, part of Exact Sciences
Classification: Uncertain significance for FANCB-related condition. Last evaluated: 2023-05-22. Review status: criteria provided, single submitter. Criteria: ACMG Guidelines, 2015. Collection method: clinical testing. Allele origin: germline.
Comment: The FANCB c.419C>T variant is predicted to result in the amino acid substitution p.Pro140Leu. To our knowledge, this variant has not been reported in the literature or in a large population database, indicating this variant is rare. At this time, the clinical significance of this variant is uncertain due to the absence of conclusive functional and genetic evidence.

Labcorp Genetics (formerly Invitae), Labcorp
Classification: Uncertain significance for Fanconi anemia. Last evaluated: 2023-05-02. Review status: criteria provided, single submitter. Criteria: Invitae Variant Classification Sherloc (09022015). Collection method: clinical testing. Allele origin: germline.
Comment: In summary, the available evidence is currently insufficient to determine the role of this variant in disease. Therefore, it has been classified as a Variant of Uncertain Significance. Advanced modeling of protein sequence and biophysical properties (such as structural, functional, and spatial information, amino acid conservation, physicochemical variation, residue mobility, and thermodynamic stability) performed at Invitae indicates that this missense variant is expected to disrupt FANCB protein function. This variant has not been reported in the literature in individuals affected with FANCB-related conditions. This variant is not present in population databases (gnomAD no frequency). This sequence change replaces proline, which is neutral and non-polar, with leucine, which is neutral and non-polar, at codon 140 of the FANCB protein (p.Pro140Leu).